The following is an entry in ClinVar:

NM_004329.3(BMPR1A):c.625C>T (p.Leu209Phe)

Gene: BMPR1A (bone morphogenetic protein receptor type 1A; plus strand). Cytogenetic location: 10q23.2.
Variant type: single nucleotide variant.
Coding change: c.625C>T on transcript NM_004329.3 (MANE Select); coding-DNA position 625, C replaced by T.
Protein change: p.Leu209Phe; replaces leucine 209 with phenylalanine.
Molecular consequence: missense variant. On other transcripts: non-coding transcript variant (3), intron variant (1).
Genome position (GRCh38, 1-based): chr10:86,912,334, C>T. VCF-style: chr10-86912334-C-T. GRCh37 (hg19) VCF-style: chr10-88672091-C-T.
Other names: c.700C>T, p.Leu234Phe (NM_001406559.1); c.673C>T, p.Leu225Phe (NM_001406560.1); c.625C>T, p.Leu209Phe (NM_001406561.1, NM_001406562.1, NM_001406563.1 and 20 more transcripts); c.541C>T, p.Leu181Phe (NM_001406584.1, NM_001406585.1, NM_001406586.1 and 2 more transcripts); c.334-4800C>T (NM_001406589.1); short protein forms L181F, L234F, L209F, L225F.
Identifiers: ClinVar variation 4623385 (VCV004623385.1).

ClinVar aggregate classification (germline): Uncertain significance (1 of 4 stars; one submission).

Conditions:
Hereditary cancer-predisposing syndrome. Also called: Neoplastic Syndromes, Hereditary; Tumor predisposition; Hereditary Cancer Syndrome; Hereditary neoplastic syndrome. Identifiers: Orphanet 140162, MedGen C0027672, MeSH D009386, MONDO:0015356.

Submission:

Ambry Genetics
Classification: Uncertain significance for Hereditary cancer-predisposing syndrome. Last evaluated: 2025-10-28. Review status: criteria provided, single submitter. Criteria: Ambry Variant Classification Scheme 2023. Collection method: clinical testing. Allele origin: germline.
Comment: The p.L209F variant (also known as c.625C>T), located in coding exon 6 of the BMPR1A gene, results from a C to T substitution at nucleotide position 625. The leucine at codon 209 is replaced by phenylalanine, an amino acid with highly similar properties. This amino acid position is conserved. In addition, the in silico prediction for this alteration is inconclusive. Based on the available evidence, the clinical significance of this variant remains unclear.